The following is an entry in ClinVar:

ClinVar aggregate classification (germline): Uncertain significance. Review status: criteria provided, multiple submitters, no conflicts (2 of 4 stars). 3 submissions from 3 submitters: Uncertain significance (3). Last evaluated 2023-11-14.

Conditions:
Inborn genetic diseases. Identifiers: MedGen C0950123, MeSH D030342.
Jalili syndrome. Also called: CONE-ROD DYSTROPHY AND AMELOGENESIS IMPERFECTA. Identifiers: Orphanet 1873, MedGen C3495589, MONDO:0009007, OMIM 217080.

Allele frequency attached by ClinVar (database versions not stated): gnomAD exomes below 0.00001 and 0.00001; ExAC 0.00001; TOPMed 0.00001.
gnomAD v4.1: 14 of 1,613,974 alleles (0.00087%); highest among the groups gnomAD compares: Middle Eastern, 0.016%; no homozygotes.

Submissions (3):

Ambry Genetics
Classification: Uncertain significance for Inborn genetic diseases. Last evaluated: 2023-11-14. Review status: criteria provided, single submitter. Criteria: Ambry Variant Classification Scheme 2023. Collection method: clinical testing. Allele origin: germline.

Labcorp Genetics (formerly Invitae), Labcorp
Classification: Uncertain significance. Last evaluated: 2022-10-24. Review status: criteria provided, single submitter. Criteria: Invitae Variant Classification Sherloc (09022015). Collection method: clinical testing. Allele origin: germline.
Comment: In summary, the available evidence is currently insufficient to determine the role of this variant in disease. Therefore, it has been classified as a Variant of Uncertain Significance. Advanced modeling of protein sequence and biophysical properties (such as structural, functional, and spatial information, amino acid conservation, physicochemical variation, residue mobility, and thermodynamic stability) performed at Invitae indicates that this missense variant is not expected to disrupt CNNM4 protein function. ClinVar contains an entry for this variant (Variation ID: 899229). This variant has not been reported in the literature in individuals affected with CNNM4-related conditions. This variant is present in population databases (rs771341175, gnomAD 0.007%). This sequence change replaces arginine, which is basic and polar, with histidine, which is basic and polar, at codon 724 of the CNNM4 protein (p.Arg724His).

Illumina Laboratory Services, Illumina
Classification: Uncertain significance for Jalili syndrome. Last evaluated: 2018-01-12. Review status: criteria provided, single submitter. Criteria: ICSL Variant Classification Criteria 13 December 2019. Collection method: clinical testing. Allele origin: germline.

NM_020184.4(CNNM4):c.2171G>A (p.Arg724His)

Gene: CNNM4 (cyclin and CBS domain divalent metal cation transport mediator 4; plus strand). Cytogenetic location: 2q11.2.
Variant type: single nucleotide variant.
Coding change: c.2171G>A on transcript NM_020184.4 (MANE Select); coding-DNA position 2171, G replaced by A.
Protein change: p.Arg724His; replaces arginine 724 with histidine.
Molecular consequence: missense variant.
Genome position (GRCh38, 1-based): chr2:96,809,360, G>A. VCF-style: chr2-96809360-G-A. GRCh37 (hg19) VCF-style: chr2-97475097-G-A.
Other names: short protein forms R724H.
Identifiers: ClinVar variation 899229 (VCV000899229.10), dbSNP rs771341175, ClinGen allele CA1783607.